The following is an entry in ClinVar:

ClinVar aggregate classification (germline): Conflicting classifications of pathogenicity. Review status: criteria provided, conflicting classifications (1 of 4 stars). 2 submissions from 2 submitters: Uncertain significance (1); Benign (1). Last evaluated 2022-10-01.

Conditions:
Episodic ataxia type 6. Identifiers: Orphanet 209967, MedGen C2675211, MONDO:0012982, OMIM 612656.

Allele frequency attached by ClinVar (database versions not stated): gnomAD 0.00034 and 0.00037; TOPMed 0.00014; 1000 Genomes Project 0.00020; 1000 Genomes Project 30x 0.00031.

Submissions (2):

CeGaT Center for Human Genetics Tuebingen
Classification: Benign. Last evaluated: 2022-10-01. Review status: criteria provided, single submitter. Criteria: CeGaT Center For Human Genetics Tuebingen Variant Classification Criteria Version 2. Collection method: clinical testing. Allele origin: germline. Affected: yes. Observed: 1 variant allele.
Comment: SLC1A3: BS1, BS2

Illumina Laboratory Services, Illumina
Classification: Uncertain significance for Episodic ataxia type 6. Last evaluated: 2018-01-13. Review status: criteria provided, single submitter. Criteria: ICSL Variant Classification Criteria 13 December 2019. Collection method: clinical testing. Allele origin: germline.

NM_004172.5(SLC1A3):c.*761G>A

Genes: SLC1A3 (solute carrier family 1 member 3; plus strand), SLC1A3-AS1 (SLC1A3 antisense RNA 1; minus strand). Cytogenetic location: 5p13.2.
Variant type: single nucleotide variant.
Coding change: c.*761G>A on transcript NM_004172.5 (MANE Select); 761 bases downstream of the stop codon, G replaced by A.
Molecular consequence: 3 prime UTR variant.
Genome position (GRCh38, 1-based): chr5:36,687,030, G>A. VCF-style: chr5-36687030-G-A. GRCh37 (hg19) VCF-style: chr5-36687132-G-A.
Other names: c.*761G>A (NM_001166695.3, NM_001289939.2, NM_001289940.2).
Identifiers: ClinVar variation 353341 (VCV000353341.29), dbSNP rs182371422, ClinGen allele CA10621705.